The following is an entry in ClinVar:

NM_004385.5(VCAN):c.2668G>T (p.Gly890Cys)

Gene: VCAN (versican; plus strand). Cytogenetic location: 5q14.3.
Variant type: single nucleotide variant.
Coding change: c.2668G>T on transcript NM_004385.5 (MANE Select); coding-DNA position 2668, G replaced by T.
Protein change: p.Gly890Cys; replaces glycine 890 with cysteine.
Molecular consequence: missense variant. On other transcripts: intron variant (2).
Genome position (GRCh38, 1-based): chr5:83,520,974, G>T. VCF-style: chr5-83520974-G-T. GRCh37 (hg19) VCF-style: chr5-82816793-G-T.
Other names: c.2668G>T, p.Gly890Cys (NM_001164098.2); c.1042+8578G>T (NM_001164097.2, NM_001126336.3); short protein forms G890C.
Identifiers: ClinVar variation 903868 (VCV000903868.16), dbSNP rs146527005, ClinGen allele CA3332877.
Genomic context (GRCh38, chr5:83,520,974, plus strand): 5'-GATGAAGACATAGCAGCCCATGGAAAATTCACAATTAGATTTCAGCCAACTACATCAACT[G>T]GTATTGCAGAAAAGTCAACTTTGAGAGATTCTACAACTGAAGAAAAAGTTCCACCTATCA-3'
Protein context (NP_004376.2, residues 880-900): TIRFQPTTST[Gly890Cys]IAEKSTLRDS

ClinVar aggregate classification (germline): Conflicting classifications of pathogenicity. Review status: criteria provided, conflicting classifications (1 of 4 stars). 6 submissions from 5 submitters: Uncertain significance (1); Benign (3); Likely benign (1). 1 of the submissions does not count toward it. Last evaluated 2026-02-03.

Conditions:
VCAN-related disorder. Also called: VCAN-related condition.
Inborn genetic diseases. Identifiers: MedGen C0950123, MeSH D030342.
Vitreoretinopathy. Also called: Vitreoretinal degeneration. Identifiers: MedGen C0344290, MONDO:0020248, HP:0007773.
Wagner disease. Also called: WAGNER VITREORETINAL DEGENERATION; Wagner Vitreoretinal Degeneration (Wagner Synrdome); Wagner syndrome; HYALOIDEORETINAL DEGENERATION OF WAGNER; WAGNER SYNDROME 1; WAGNER VITREORETINOPATHY. Identifiers: Orphanet 898, MedGen C1840452, MONDO:0007740, OMIM 143200.

Allele frequency attached by ClinVar (database versions not stated): gnomAD exomes 0.00025; ExAC 0.00028; 1000 Genomes Project 0.00080; gnomAD 0.00081 and 0.00088; TOPMed 0.00081; ESP Exome Variant Server 0.00092; 1000 Genomes Project 30x 0.00094.
gnomAD v4.1: 232 of 1,614,038 alleles (0.014%); highest among the groups gnomAD compares: African/African-American, 0.29%; 2 homozygotes.

Submissions (6):

Labcorp Genetics (formerly Invitae), Labcorp
Classification: Benign. Last evaluated: 2026-02-03. Review status: criteria provided, single submitter. Criteria: Invitae Variant Classification Sherloc (09022015). Collection method: clinical testing. Allele origin: germline.

Ambry Genetics
Classification: Uncertain significance for Inborn genetic diseases. Last evaluated: 2025-01-03. Review status: criteria provided, single submitter. Criteria: Ambry Variant Classification Scheme 2023. Collection method: clinical testing. Allele origin: germline.

Blueprint Genetics
Classification: Likely benign. Last evaluated: 2024-05-28. Review status: criteria provided, single submitter. Criteria: ACMG Guidelines, 2015. Collection method: clinical testing. Allele origin: germline.

Illumina Laboratory Services, Illumina
Classification: Benign for Wagner disease. Last evaluated: 2018-01-12. Review status: criteria provided, single submitter. Criteria: ICSL Variant Classification Criteria 13 December 2019. Collection method: clinical testing. Allele origin: germline.
Comment: This variant was observed in the ICSL laboratory as part of a predisposition screen in an ostensibly healthy population. It had not been previously curated by ICSL or reported in the Human Gene Mutation Database (HGMD: prior to June 1st, 2018), and was therefore a candidate for classification through an automated scoring system. Utilizing variant allele frequency, disease prevalence and penetrance estimates, and inheritance mode, an automated score was calculated to assess if this variant is too frequent to cause the disease. Based on the score and internal cut-off values, a variant classified as benign is not then subjected to further curation. The score for this variant resulted in a classification of benign for this disease.

Illumina Laboratory Services, Illumina
Classification: Benign for Vitreoretinopathy. Last evaluated: 2018-01-12. Review status: criteria provided, single submitter. Criteria: ICSL Variant Classification Criteria 13 December 2019. Collection method: clinical testing. Allele origin: germline.
Comment: the same text as in the submission from Illumina Laboratory Services, Illumina above.

PreventionGenetics, part of Exact Sciences
Classification: Likely benign for VCAN-related condition. Last evaluated: 2019-09-11. Review status: no assertion criteria provided. Collection method: clinical testing. Allele origin: germline. Not counted in ClinVar's aggregate classification.
Comment: This variant is classified as likely benign based on ACMG/AMP sequence variant interpretation guidelines (Richards et al. 2015 PMID: 25741868, with internal and published modifications).